The following is an entry in ClinVar:

ClinVar aggregate classification (germline): Likely benign (1 of 4 stars; one submission).

Allele frequency attached by ClinVar (database versions not stated): TOPMed 0.00003; gnomAD exomes 0.00006; gnomAD 0.00007; ExAC 0.00008; ESP Exome Variant Server 0.00008; 1000 Genomes Project 30x 0.00016; 1000 Genomes Project 0.00020.
gnomAD v4.1: 92 of 1,614,060 alleles (0.0057%); highest among the groups gnomAD compares: East Asian, 0.02%; no homozygotes.

Submission:

CeGaT Center for Human Genetics Tuebingen
Classification: Likely benign. Last evaluated: 2024-03-01. Review status: criteria provided, single submitter. Criteria: CeGaT Center For Human Genetics Tuebingen Variant Classification Criteria Version 2. Collection method: clinical testing. Allele origin: germline. Affected: yes. Observed: 2 variant alleles.
Comment: AHNAK: BP4, BP7

NM_001620.3(AHNAK):c.7497C>T (p.Pro2499=)

Gene: AHNAK (AHNAK nucleoprotein; minus strand). Cytogenetic location: 11q12.3.
Variant type: single nucleotide variant.
Coding change: c.7497C>T on transcript NM_001620.3 (MANE Select); coding-DNA position 7497, C replaced by T.
Protein change: p.Pro2499=; no amino-acid change (proline 2499 retained).
Molecular consequence: synonymous variant. On other transcripts: intron variant (1).
Genome position (GRCh38, 1-based): chr11:62,526,920, G>A on the plus strand (C>T on the coding strand, the complement: AHNAK is on the minus strand). VCF-style: chr11-62526920-G-A. GRCh37 (hg19) VCF-style: chr11-62294392-G-A.
Other names: c.7497C>T, p.Pro2499= (NM_001346445.2, NM_001346446.2); c.342+8083C>T (NM_024060.4).
Identifiers: ClinVar variation 2641873 (VCV002641873.24), dbSNP rs370900359, ClinGen allele CA6045500.
Genomic context (GRCh38, chr11:62,526,920, plus strand): 5'-GCTGAACTTGGGCATTTTCATCTTGGGCATCTTCAGGTGCCAGTCTGGAGCTTGGACATC[G>A]GGGGCATTTACATCAACTTTGGGGCCCCTGATGTTCATATCTGGTACTTCAAGTTTACCT-3'
Protein context (NP_001611.1, residues 2489-2509): IRGPKVDVNA[Pro2499=]DVQAPDWHLK